The following is an entry in ClinVar:

NC_000004.11:g.(?_55569880)_(55575715_?)dup

Gene: KIT (KIT proto-oncogene, receptor tyrosine kinase; plus strand). Cytogenetic location: 4q12.
Variant type: Duplication.
Identifiers: ClinVar variation 1506224 (VCV001506224.12).

ClinVar aggregate classification (germline): Likely pathogenic (1 of 4 stars; one submission).

Conditions:
Gastrointestinal stromal tumor. Also called: Gastrointestinal stromal tumor, somatic; Gastrointestinal stroma tumor. Identifiers: Orphanet 44890, MedGen C0238198, MeSH D046152, MONDO:0011719, OMIM 606764, HP:0100723.

Submission:

Labcorp Genetics (formerly Invitae), Labcorp
Classification: Likely pathogenic for Gastrointestinal stromal tumor. Last evaluated: 2022-02-04. Review status: criteria provided, single submitter. Criteria: Invitae Variant Classification Sherloc (09022015). Collection method: clinical testing. Allele origin: germline.
Comment: In summary, the currently available evidence indicates that the variant is pathogenic, but additional data are needed to prove that conclusively. Therefore, this variant has been classified as Likely Pathogenic. This variant has not been reported in the literature in individuals affected with KIT-related conditions. This variant results in a copy number gain of the genomic region encompassing exon(s) 5-7 of the KIT gene. While the exact position of this variant cannot be determined from the data, sub-genic copy number gains are generally in tandem (PMID: 25640679). This variant is predicted to be out-of-frame, and may result in an absent or disrupted protein product. Loss-of-function variants in KIT are known to be pathogenic (PMID: 15194144).

Literature cited by the submitters: PubMed 25640679; PubMed 15194144.